The following is an entry in ClinVar:

ClinVar aggregate classification (germline): Pathogenic (1 of 4 stars; one submission).

Conditions:
Cystic fibrosis (CF). Also called: MUCOVISCIDOSIS. Identifiers: Orphanet 586, MedGen C0010674, MONDO:0009061, OMIM 219700. Disease mechanism: loss of function.

Submission:

Institute of Human Genetics, University of Leipzig Medical Center
Classification: Pathogenic for Cystic fibrosis. Last evaluated: 2022-09-05. Review status: criteria provided, single submitter. Criteria: ACMG Guidelines, 2015. Collection method: curation. Allele origin: unknown. Affected: yes. Observed: 1 variant allele.
Comment: The variant was classified in the context of a project re-classifying variants in the German Cystic Fibrosis Registry (Muko.e.V.). Criteria applied: PVS1, PM2_SUP, PM3

NM_000492.4(CFTR):c.1116+2T>A

Gene: CFTR (CF transmembrane conductance regulator; plus strand). Cytogenetic location: 7q31.2.
Variant type: single nucleotide variant.
Coding change: c.1116+2T>A on transcript NM_000492.4 (MANE Select); the canonical splice donor site of the intron after coding-DNA position 1116, T replaced by A.
Molecular consequence: splice donor variant.
Genome position (GRCh38, 1-based): chr7:117,540,348, T>A. VCF-style: chr7-117540348-T-A. GRCh37 (hg19) VCF-style: chr7-117180402-T-A.
Identifiers: ClinVar variation 1706069 (VCV001706069.1), dbSNP rs775628795, ClinGen allele CA368979131.